The following is an entry in ClinVar:

ClinVar aggregate classification (germline): Pathogenic/Likely pathogenic. Review status: criteria provided, multiple submitters, no conflicts (2 of 4 stars). 3 submissions from 3 submitters: Pathogenic (2); Likely pathogenic (1). Last evaluated 2024-11-11.

Conditions:
Inborn genetic diseases. Identifiers: MedGen C0950123, MeSH D030342.
Early-infantile DEE. Also called: Early infantile epileptic encephalopathy; Ohtahara syndrome; Early infantile epileptic encephalopathy with suppression bursts. Identifiers: Orphanet 1934, MedGen C0393706, MONDO:0800491.

Submissions (3):

Labcorp Genetics (formerly Invitae), Labcorp
Classification: Pathogenic for Early-infantile DEE. Last evaluated: 2024-11-11. Review status: criteria provided, single submitter. Criteria: Invitae Variant Classification Sherloc (09022015). Collection method: clinical testing. Allele origin: germline.
Comment: This sequence change affects a donor splice site in intron 25 of the SCN1A gene. While this variant is not anticipated to result in nonsense mediated decay, it likely alters RNA splicing and results in a disrupted protein product. This variant is not present in population databases (gnomAD no frequency). Disruption of this splice site has been observed in individual(s) with SCN1A-related disease (PMID: 21248271, 28202706; internal data). In at least one individual the variant was observed to be de novo. ClinVar contains an entry for this variant (Variation ID: 1074452). Variants that disrupt the consensus splice site are a relatively common cause of aberrant splicing (PMID: 17576681, 9536098). Algorithms developed to predict the effect of sequence changes on RNA splicing suggest that this variant may disrupt the consensus splice site. For these reasons, this variant has been classified as Pathogenic.

CeGaT Center for Human Genetics Tuebingen
Classification: Likely pathogenic. Last evaluated: 2024-04-01. Review status: criteria provided, single submitter. Criteria: CeGaT Center For Human Genetics Tuebingen Variant Classification Criteria Version 2. Collection method: clinical testing. Allele origin: germline. Affected: yes. Observed: 1 variant allele.
Comment: SCN1A: PVS1:Strong, PM2

Ambry Genetics
Classification: Pathogenic for Inborn genetic diseases. Last evaluated: 2024-03-01. Review status: criteria provided, single submitter. Criteria: Ambry Variant Classification Scheme 2023. Collection method: clinical testing. Allele origin: germline.
Comment: The c.4852+1G>A intronic alteration results from a G to A substitution one nucleotide after coding exon 25 of the SCN1A gene. This alteration occurs at the 3' terminus of the SCN1A gene and is not expected to trigger nonsense-mediated mRNA decay. The exact functional effect of this alteration is unknown; however, the impacted region is critical for protein function and a significant portion of the protein is affected (Ambry internal data). _x000D_ _x000D_ pathogenic for autosomal dominant Dravet syndrome_x000D_ _x000D_ ; however, its clinical significance for autosomal dominant SCN1A-related developmental and epileptic encephalopathy, autosomal dominant SCN1A-related hemiplegic migraine, and autosomal dominant SCN1A-related GEFS+ is uncertain. This variant was not reported in population-based cohorts in the Genome Aggregation Database (gnomAD). This nucleotide position is highly conserved in available vertebrate species. In silico splice site analysis predicts that this alteration will weaken the native splice donor site. Based on the available evidence, this alteration is classified as pathogenic.

Literature cited by the submitters: PubMed 21248271 (cited by Labcorp Genetics (formerly Invitae), Labcorp); PubMed 28202706 (cited by Labcorp Genetics (formerly Invitae), Labcorp and Ambry Genetics); PubMed 17576681 (cited by Labcorp Genetics (formerly Invitae), Labcorp); PubMed 9536098 (cited by Labcorp Genetics (formerly Invitae), Labcorp).

NM_001165963.4(SCN1A):c.4852+1G>A

Genes: SCN1A (sodium voltage-gated channel alpha subunit 1; minus strand), LOC102724058 (uncharacterized LOC102724058; plus strand). Cytogenetic location: 2q24.3.
Variant type: single nucleotide variant.
Coding change: c.4852+1G>A on transcript NM_001165963.4 (MANE Select); the canonical splice donor site of the intron after coding-DNA position 4852, G replaced by A.
Molecular consequence: splice donor variant.
Genome position (GRCh38, 1-based): chr2:165,994,145, C>T on the plus strand (G>A on the coding strand, the complement: SCN1A is on the minus strand). VCF-style: chr2-165994145-C-T. GRCh37 (hg19) VCF-style: chr2-166850655-C-T.
Other names: c.4816+1G>A (NM_001353954.2, NM_001353955.2); c.4768+1G>A (NM_001165964.3, NM_001353958.2, NM_001353957.2); c.4819+1G>A (NM_001353952.2, NM_006920.6, NM_001353949.2 and 2 more transcripts); c.2410+1G>A (NM_001353961.2); c.4852+1G>A (NM_001165963.1, NM_001202435.3, NM_001353948.2); c.4765+1G>A (NM_001353960.2).
Identifiers: ClinVar variation 1074452 (VCV001074452.30), dbSNP rs1573962555, ClinGen allele CA349071213.